The following is an entry in ClinVar:

NM_018150.4(RNF220):c.1248C>T (p.Pro416=)

Gene: RNF220 (ring finger protein 220; plus strand). Cytogenetic location: 1p34.1.
Variant type: single nucleotide variant.
Coding change: c.1248C>T on transcript NM_018150.4 (MANE Select); coding-DNA position 1248, C replaced by T.
Protein change: p.Pro416=; no amino-acid change (proline 416 retained).
Molecular consequence: synonymous variant.
Genome position (GRCh38, 1-based): chr1:44,645,019, C>T. VCF-style: chr1-44645019-C-T. GRCh37 (hg19) VCF-style: chr1-45110691-C-T.
Other names: c.1248C>T, p.Pro416= (NM_001319956.1, NM_001376488.1); c.609C>T, p.Pro203= (NM_001319957.2); c.1326C>T, p.Pro442= (NM_001376486.1, NM_001376487.1); c.474C>T, p.Pro158= (NM_001376489.1).
Identifiers: ClinVar variation 5039520 (VCV005039520.1).

ClinVar aggregate classification (germline): Likely benign (1 of 4 stars; one submission).

gnomAD v4.1: 3 of 1,613,990 alleles (0.00019%); highest among the groups gnomAD compares: Non-Finnish European, 0.00025%; no homozygotes.

Submission:

CeGaT Center for Human Genetics Tuebingen
Classification: Likely benign. Last evaluated: 2026-08-01. Review status: criteria provided, single submitter. Criteria: CeGaT Center For Human Genetics Tuebingen Variant Classification Criteria Version 2. Collection method: clinical testing. Allele origin: germline. Affected: yes. Observed: 1 variant allele.
Comment: RNF220: BP4, BP7